The following is an entry in ClinVar:

NM_015340.4(LARS2):c.230C>A (p.Ala77Asp)

Gene: LARS2 (leucyl-tRNA synthetase 2, mitochondrial; plus strand). Cytogenetic location: 3p21.31.
Variant type: single nucleotide variant.
Coding change: c.230C>A on transcript NM_015340.4 (MANE Select); coding-DNA position 230, C replaced by A.
Protein change: p.Ala77Asp; replaces alanine 77 with aspartic acid.
Molecular consequence: missense variant.
Genome position (GRCh38, 1-based): chr3:45,394,683, C>A. VCF-style: chr3-45394683-C-A. GRCh37 (hg19) VCF-style: chr3-45436175-C-A.
Other names: c.230C>A, p.Ala77Asp (NM_001368263.1); short protein forms A77D.
Identifiers: ClinVar variation 3371149 (VCV003371149.1).
Genomic context (GRCh38, chr3:45,394,683, plus strand): 5'-AGGATGTTGAGAAATGGTGGCATCAACGAATAAAAGAACAGGCCTCCAAAATTTCAGAAG[C>A]TGATGTGAGTATTCTGAGAGATTCTAAGAGGGTAGAGAAGAGGGGTTGAAGGTTTGGACC-3'
Protein context (NP_056155.1, residues 67-87): IKEQASKISE[Ala77Asp]DKSKPKFYVL

ClinVar aggregate classification (germline): Uncertain significance (1 of 4 stars; one submission).

gnomAD v4.1: 7 of 1,603,866 alleles (0.00044%); highest among the groups gnomAD compares: Non-Finnish European, 0.00051%; no homozygotes.

Submission:

GeneDx
Classification: Uncertain significance. Last evaluated: 2024-03-26. Review status: criteria provided, single submitter. Criteria: GeneDx Variant Classification Process June 2021. Collection method: clinical testing. Allele origin: germline. Affected: yes.
Comment: Not observed at significant frequency in large population cohorts (gnomAD); In silico analysis supports that this missense variant does not alter protein structure/function; Has not been previously published as pathogenic or benign to our knowledge